The following is an entry in ClinVar:

ClinVar aggregate classification (germline): Pathogenic. Review status: criteria provided, multiple submitters, no conflicts (2 of 4 stars). 6 submissions from 6 submitters: Pathogenic (6). Last evaluated 2026-10-01.
ClinVar aggregate classification (oncogenicity): Likely oncogenic (1 of 4 stars; one submission).

Conditions:
Pigmentary skin disorders.
Neurofibromatosis, type 1 (NF1). Also called: VON RECKLINGHAUSEN DISEASE; Neurofibromatosis, type I; NEUROFIBROMATOSIS, TYPE I, SOMATIC; Peripheral type neurofibromatosis. Identifiers: Orphanet 636, MedGen C0027831, MONDO:0018975, OMIM 162200. Disease mechanism: loss of function.
Neoplasm. Also called: tumor; Neoplasms; Neoplasm (disease). Identifiers: MedGen C0027651, MeSH D009369, MONDO:0005070, HP:0002664.

Allele frequency attached by ClinVar (database versions not stated): gnomAD exomes below 0.00001; ExAC 0.00001.
gnomAD v4.1: 1 of 1,592,536 alleles (0.000063%); no homozygotes.

Submissions (7):

St. Jude Molecular Pathology, St. Jude Children's Research Hospital
Classification: Pathogenic for Neurofibromatosis, type 1. Last evaluated: 2026-10-01. Review status: criteria provided, single submitter. Criteria: St. Jude Assertion Criteria 2020. Collection method: clinical testing. Allele origin: germline.
Comment: The NF1 c.4367+1G>A intronic change results in a G to A substitution at the +1 position of intron 32 of the NF1 gene. This variant results in skipping of exon 32 resulting in nonsense-mediated decay or an abnormal protein product (PMID: 12807981). Variants disrupting this splice site have been identified in individuals with clinical features of Neurofibromatosis type 1 (PMID: 12807981, 25325900, 29952103, internal data). Loss-of-function variants in N F1 are known to be pathogenic (PMID: 9003501, 10712197). This variant is also referred to as c.4430+1 and IVS25+1 in the literature. This variant is absent in non-founder subpopulations in gnomAD v2.1.1. In summary, t his variant meets criteria to be classified as pathogenic.

Genetics Laboratory, Great Ormond Street Hospital NHS Foundation Trust, North Thames Genomic Laboratory Hub
Classification: Pathogenic for Pigmentary skin disorders. Last evaluated: 2026-09-21. Review status: criteria provided, single submitter. Criteria: ACGS Best Practice Guidelines for Variant Classification in Rare Disease 2024 v1.2. Collection method: clinical testing. Allele origin: germline. Affected: yes.
Comment: PS4_moderate, PM2_moderate, PVS1_very-strong

Center for Genomic Medicine, Rigshospitalet, Copenhagen University Hospital
Classification: Likely oncogenic for Neoplasm. Last evaluated: 2025-03-04. Review status: criteria provided, single submitter. Criteria: ClinGen/CGC/VICC Guidelines for Oncogenicity, 2022. Collection method: clinical testing. Allele origin: somatic. Affected: yes.

Labcorp Genetics (formerly Invitae), Labcorp
Classification: Pathogenic for Neurofibromatosis, type 1. Last evaluated: 2024-04-22. Review status: criteria provided, single submitter. Criteria: Invitae Variant Classification Sherloc (09022015). Collection method: clinical testing. Allele origin: germline.
Comment: This sequence change affects a donor splice site in intron 32 of the NF1 gene. RNA analysis indicates that disruption of this splice site induces altered splicing and may result in an absent or disrupted protein product. The frequency data for this variant in the population databases is considered unreliable, as metrics indicate poor data quality at this position in the gnomAD database. Disruption of this splice site has been observed in individual(s) with neurofibromatosis type 1 (PMID: 12807981, 18546366, 25325900; Invitae). This variant is also known as IVS25+1G>A and c.4430+1G>A. ClinVar contains an entry for this variant (Variation ID: 640358). Studies have shown that disruption of this splice site results in skipping of exon 32 and introduces a premature termination codon (PMID: 12807981). The resulting mRNA is expected to undergo nonsense-mediated decay. For these reasons, this variant has been classified as Pathogenic.

Genome-Nilou Lab
Classification: Pathogenic for Neurofibromatosis, type 1. Last evaluated: 2022-03-15. Review status: criteria provided, single submitter. Criteria: ACMG Guidelines, 2015. Collection method: clinical testing. Allele origin: germline. Affected: no.

Genome Diagnostics Laboratory, The Hospital for Sick Children
Classification: Pathogenic for Neurofibromatosis, type 1. Last evaluated: 2020-10-26. Review status: criteria provided, single submitter. Criteria: ACMG Guidelines, 2015. Collection method: clinical testing. Allele origin: germline. Affected: yes.

CeGaT Center for Human Genetics Tuebingen
Classification: Pathogenic. Last evaluated: 2016-12-01. Review status: criteria provided, single submitter. Criteria: CeGaT Center For Human Genetics Tuebingen Variant Classification Criteria Version 2. Collection method: clinical testing. Allele origin: germline. Affected: yes. Observed: 1 variant allele.

Literature cited by the submitters: PubMed 34046057 (cited by Center for Genomic Medicine, Rigshospitalet, Copenhagen University Hospital); PubMed 18546366 (cited by Center for Genomic Medicine, Rigshospitalet, Copenhagen University Hospital and Labcorp Genetics (formerly Invitae), Labcorp); PubMed 12807981 (cited by Labcorp Genetics (formerly Invitae), Labcorp); PubMed 25325900 (cited by Labcorp Genetics (formerly Invitae), Labcorp).

NM_001042492.3(NF1):c.4430+1G>A

Gene: NF1 (neurofibromin 1; plus strand). Cytogenetic location: 17q11.2.
Variant type: single nucleotide variant.
Coding change: c.4430+1G>A on transcript NM_001042492.3 (MANE Select); the canonical splice donor site of the intron after coding-DNA position 4430, G replaced by A.
Molecular consequence: splice donor variant.
Genome position (GRCh38, 1-based): chr17:31,259,130, G>A. VCF-style: chr17-31259130-G-A. GRCh37 (hg19) VCF-style: chr17-29586148-G-A.
Other names: c.4367+1G>A (NM_000267.4).
Identifiers: ClinVar variation 640358 (VCV000640358.54), dbSNP rs773151680, ClinGen allele CA8486404.
Genomic context (GRCh38, chr17:31,259,130, plus strand): 5'-AGAAGAACATATGCGGCCTTTCAATGATTTTGTGAAAAGCAACTTTGATGCAGCACGCAG[G>A]TAATTTTCTTGCCACTTACTCAGTTGCTCTGTTTGAATCAAATATTTTCGGTTTCACATA-3'